The following is an entry in ClinVar:

ClinVar aggregate classification (germline): Uncertain significance. Review status: criteria provided, multiple submitters, no conflicts (2 of 4 stars). 3 submissions from 3 submitters: Uncertain significance (3). Last evaluated 2026-08-12.

Conditions:
Hereditary cancer-predisposing syndrome. Also called: Neoplastic Syndromes, Hereditary; Hereditary Cancer Syndrome; Tumor predisposition; Hereditary neoplastic syndrome. Identifiers: Orphanet 140162, MedGen C0027672, MeSH D009386, MONDO:0015356.

Submissions (3):

Ambry Genetics
Classification: Uncertain significance for Hereditary cancer-predisposing syndrome. Last evaluated: 2026-08-12. Review status: criteria provided, single submitter. Criteria: Ambry Variant Classification Scheme 2023. Collection method: clinical testing. Allele origin: germline.

Labcorp Genetics (formerly Invitae), Labcorp
Classification: Uncertain significance. Last evaluated: 2025-11-05. Review status: criteria provided, single submitter. Criteria: Invitae Variant Classification Sherloc (09022015). Collection method: clinical testing. Allele origin: germline.
Comment: This sequence change replaces valine, which is neutral and non-polar, with alanine, which is neutral and non-polar, at codon 1929 of the POLE protein (p.Val1929Ala). This variant is not present in population databases (gnomAD no frequency). This variant has not been reported in the literature in individuals affected with POLE-related conditions. ClinVar contains an entry for this variant (Variation ID: 961135). Invitae Evidence Modeling of protein sequence and biophysical properties (such as structural, functional, and spatial information, amino acid conservation, physicochemical variation, residue mobility, and thermodynamic stability) indicates that this missense variant is not expected to disrupt POLE protein function with a negative predictive value of 80%. In summary, the available evidence is currently insufficient to determine the role of this variant in disease. Therefore, it has been classified as a Variant of Uncertain Significance.

GeneDx
Classification: Uncertain significance. Last evaluated: 2025-04-28. Review status: criteria provided, single submitter. Criteria: GeneDx Variant Classification Process June 2021. Collection method: clinical testing. Allele origin: germline. Affected: yes.
Comment: Not observed at significant frequency in large population cohorts (gnomAD); In silico analysis indicates that this missense variant does not alter protein structure/function; Has not been previously published as pathogenic or benign to our knowledge

NM_006231.4(POLE):c.5786T>C (p.Val1929Ala)

Gene: POLE (DNA polymerase epsilon, catalytic subunit; minus strand). Cytogenetic location: 12q24.33.
Variant type: single nucleotide variant.
Coding change: c.5786T>C on transcript NM_006231.4 (MANE Select); coding-DNA position 5786, T replaced by C.
Protein change: p.Val1929Ala; replaces valine 1929 with alanine.
Molecular consequence: missense variant.
Genome position (GRCh38, 1-based): chr12:132,635,917, A>G on the plus strand (T>C on the coding strand, the complement: POLE is on the minus strand). VCF-style: chr12-132635917-A-G. GRCh37 (hg19) VCF-style: chr12-133212503-A-G.
Other names: short protein forms V1929A.
Identifiers: ClinVar variation 961135 (VCV000961135.14), dbSNP rs2042022539, ClinGen allele CA387372781.
Genomic context (GRCh38, chr12:132,635,917, plus strand): 5'-AAGCTGGCTCGGGTGCCACACTGCAGCTCGCTTACCAGTCCACAGTGAATACGAGATGAA[A>G]CTTTTCCTTTGATTCCGCCATAGTTAGATGGATCCATCCAGAGAAGAAATTCCCAGCATC-3'
Protein context (NP_006222.2, residues 1919-1939): PSNYGGIKGK[Val1929Ala]SSRIHCGLQD